The following is an entry in ClinVar:

ClinVar aggregate classification (germline): Pathogenic/Likely pathogenic. Review status: criteria provided, multiple submitters, no conflicts (2 of 4 stars). 2 submissions from 2 submitters: Pathogenic (1); Likely pathogenic (1). Last evaluated 2025-01-06.

Allele frequency attached by ClinVar (database versions not stated): gnomAD exomes below 0.00001; gnomAD 0.00003.
gnomAD v4.1: 10 of 1,613,452 alleles (0.00062%); highest among the groups gnomAD compares: Non-Finnish European, 0.00076%; no homozygotes.

Submissions (2):

Labcorp Genetics (formerly Invitae), Labcorp
Classification: Pathogenic. Last evaluated: 2025-01-06. Review status: criteria provided, single submitter. Criteria: Invitae Variant Classification Sherloc (09022015). Collection method: clinical testing. Allele origin: germline.
Comment: This sequence change creates a premature translational stop signal (p.Arg530*) in the DNM1L gene. It is expected to result in an absent or disrupted protein product. Loss-of-function variants in DNM1L are known to be pathogenic (PMID: 26825290, 27328748). The frequency data for this variant in the population databases is considered unreliable, as metrics indicate poor data quality at this position in the gnomAD database. This variant has not been reported in the literature in individuals affected with DNM1L-related conditions. ClinVar contains an entry for this variant (Variation ID: 489061). For these reasons, this variant has been classified as Pathogenic.

GeneDx
Classification: Likely pathogenic. Last evaluated: 2017-10-06. Review status: criteria provided, single submitter. Criteria: GeneDx Variant Classification (06012015). Collection method: clinical testing. Allele origin: germline. Affected: yes.
Comment: The R530X variant has not been published as a pathogenic variant, nor has it been reported as a benign variant to our knowledge. The R530X variant is not observed at a significant frequency in large population cohorts (Lek et al., 2016). The R530X variant is predicted to cause loss of normal protein function either through protein truncation or nonsense-mediated mRNA decay. In summary, we interpret R530X to be a likely pathogenic variant.

Literature cited by the submitters: PubMed 26825290 (cited by Labcorp Genetics (formerly Invitae), Labcorp); PubMed 27328748 (cited by Labcorp Genetics (formerly Invitae), Labcorp).

NM_012062.5(DNM1L):c.1588C>T (p.Arg530Ter)

Gene: DNM1L (dynamin 1 like; plus strand). Cytogenetic location: 12p11.21.
Variant type: single nucleotide variant.
Coding change: c.1588C>T on transcript NM_012062.5 (MANE Select); coding-DNA position 1588, C replaced by T.
Protein change: p.Arg530Ter; replaces arginine 530 with a stop codon.
Molecular consequence: nonsense.
Genome position (GRCh38, 1-based): chr12:32,737,153, C>T. VCF-style: chr12-32737153-C-T. GRCh37 (hg19) VCF-style: chr12-32890087-C-T.
Other names: c.1588C>T, p.Arg530Ter (NM_001278463.2, NM_005690.5, NM_012063.4); c.1627C>T, p.Arg543Ter (NM_001278464.2, NM_001278465.2, NM_001330380.2); c.979C>T, p.Arg327Ter (NM_001278466.2); short protein forms R530*, R327*, R543*.
Identifiers: ClinVar variation 489061 (VCV000489061.5), dbSNP rs1439786424, ClinGen allele CA384360762.